The following is an entry in ClinVar:

ClinVar aggregate classification (germline): Conflicting classifications of pathogenicity. Review status: criteria provided, conflicting classifications (1 of 4 stars). 4 submissions from 4 submitters: Pathogenic (1); Uncertain significance (3). Last evaluated 2024-05-30.

Conditions:
Autosomal dominant nonsyndromic hearing loss 17. Also called: Deafness, autosomal dominant 17; Autosomal dominant nonsyndromic deafness 17. Identifiers: Orphanet 90635, MedGen C1863659, MONDO:0011350, OMIM 603622.
Macrothrombocytopenia and granulocyte inclusions with or without nephritis or sensorineural hearing loss (MATINS). Also called: MACROTHROMBOCYTOPENIA WITH LEUKOCYTE INCLUSIONS; Giant platelet syndrome with thrombocytopenia; SEBASTIAN PLATELET SYNDROME; MACROTHROMBOCYTOPENIA WITH DISPERSED LEUKOCYTIC INCLUSIONS; MACROTHROMBOCYTOPENIA, NEPHRITIS, AND DEAFNESS; MACROTHROMBOCYTOPENIA, NEPHRITIS, DEAFNESS, AND LEUKOCYTE INCLUSIONS. Identifiers: Orphanet 182050, MedGen C5200934, MONDO:0015912, OMIM 155100.

Allele frequency attached by ClinVar (database versions not stated): gnomAD exomes 0.00002; ExAC 0.00004.
gnomAD v4.1: 29 of 1,608,744 alleles (0.0018%); highest among the groups gnomAD compares: South Asian, 0.0044%; no homozygotes.

Submissions (4):

Laboratory of Prof. Karen Avraham, Tel Aviv University
Classification: Pathogenic for Autosomal dominant nonsyndromic hearing loss 17. Last evaluated: 2024-05-30. Review status: criteria provided, single submitter. Criteria: ACMG Guidelines, 2015. Collection method: research. Allele origin: germline. Affected: yes. Observed: 1 variant allele.
Comment: Pathogenic by Deafness Variation Database based on PMID: 23967202

DFNA17;high-tone normal-severe HL

Blueprint Genetics
Classification: Uncertain significance. Last evaluated: 2024-04-19. Review status: criteria provided, single submitter. Criteria: ACMG Guidelines, 2015. Collection method: clinical testing. Allele origin: germline.

Fulgent Genetics
Classification: Uncertain significance for Macrothrombocytopenia and granulocyte inclusions with or without nephritis or sensorineural hearing loss; Autosomal dominant nonsyndromic hearing loss 17. Last evaluated: 2021-07-06. Review status: criteria provided, single submitter. Criteria: ACMG Guidelines, 2015. Collection method: clinical testing. Allele origin: unknown.

GeneDx
Classification: Uncertain significance. Last evaluated: 2019-11-18. Review status: criteria provided, single submitter. Criteria: GeneDx Variant Classification Process June 2021. Collection method: clinical testing. Allele origin: germline. Affected: yes.
Comment: Identified in a patient with apparently autosomal dominant early-onset hearing loss in published literature, however, additional clinical and family information was not provided (Miyagawa et al., 2013); In silico analysis, which includes protein predictors and evolutionary conservation, supports a deleterious effect; This variant is associated with the following publications: (PMID: 23967202)

NM_002473.6(MYH9):c.4352C>T (p.Ala1451Val)

Gene: MYH9 (myosin heavy chain 9; minus strand). Cytogenetic location: 22q12.3.
Variant type: single nucleotide variant.
Coding change: c.4352C>T on transcript NM_002473.6 (MANE Select); coding-DNA position 4352, C replaced by T.
Protein change: p.Ala1451Val; replaces alanine 1451 with valine.
Molecular consequence: missense variant.
Genome position (GRCh38, 1-based): chr22:36,289,290, G>A on the plus strand (C>T on the coding strand, the complement: MYH9 is on the minus strand). VCF-style: chr22-36289290-G-A. GRCh37 (hg19) VCF-style: chr22-36685336-G-A.
Other names: short protein forms A1451V.
Identifiers: ClinVar variation 1303195 (VCV001303195.5), dbSNP rs759107183, ClinGen allele CA10209375.